The following is an entry in ClinVar:

NM_005251.3(FOXC2):c.298C>T (p.Gln100Ter)

Genes: FOXC2 (forkhead box C2; plus strand), FOXC2-AS1 (FOXC2 antisense RNA 1; minus strand). Cytogenetic location: 16q24.1.
Variant type: single nucleotide variant.
Coding change: c.298C>T on transcript NM_005251.3 (MANE Select); coding-DNA position 298, C replaced by T.
Protein change: p.Gln100Ter; replaces glutamine 100 with a stop codon.
Molecular consequence: nonsense. On other transcripts: non-coding transcript variant (1).
Genome position (GRCh38, 1-based): chr16:86,567,633, C>T. VCF-style: chr16-86567633-C-T. GRCh37 (hg19) VCF-style: chr16-86601239-C-T.
Other names: short protein forms Q100*.
Identifiers: ClinVar variation 1322931 (VCV001322931.5), dbSNP rs2144018707, ClinGen allele CA397006724.

ClinVar aggregate classification (germline): Pathogenic. Review status: criteria provided, multiple submitters, no conflicts (2 of 4 stars). 2 submissions from 2 submitters: Pathogenic (2). Last evaluated 2025-05-21.

Conditions:
Distichiasis-lymphedema syndrome. Also called: LYMPHEDEMA WITH DISTICHIASIS. Identifiers: Orphanet 33001, MedGen C0265345, MONDO:0007922, OMIM 153400.

Submissions (2):

Labcorp Genetics (formerly Invitae), Labcorp
Classification: Pathogenic. Last evaluated: 2025-05-21. Review status: criteria provided, single submitter. Criteria: Invitae Variant Classification Sherloc (09022015). Collection method: clinical testing. Allele origin: germline.
Comment: This sequence change creates a premature translational stop signal (p.Gln100*) in the FOXC2 gene. While this is not anticipated to result in nonsense mediated decay, it is expected to disrupt the last 402 amino acid(s) of the FOXC2 protein. This variant is not present in population databases (gnomAD no frequency). This premature translational stop signal has been observed in individual(s) with hereditary lymphoedema-distichiasis (PMID: 11694548). ClinVar contains an entry for this variant (Variation ID: 1322931). This variant disrupts a region of the FOXC2 protein in which other variant(s) (p.His199Profs*264) have been determined to be pathogenic (PMID: 11371511, 27752211; internal data). This suggests that this is a clinically significant region of the protein, and that variants that disrupt it are likely to be disease-causing. For these reasons, this variant has been classified as Pathogenic.

Revvity Omics, Revvity
Classification: Pathogenic for Distichiasis-lymphedema syndrome. Last evaluated: 2020-07-30. Review status: criteria provided, single submitter. Criteria: ACMG Guidelines, 2015. Collection method: clinical testing. Allele origin: germline.

Literature cited by the submitters: PubMed 11694548 (cited by Labcorp Genetics (formerly Invitae), Labcorp); PubMed 11371511 (cited by Labcorp Genetics (formerly Invitae), Labcorp); PubMed 27752211 (cited by Labcorp Genetics (formerly Invitae), Labcorp).